The following is an entry in ClinVar:

ClinVar aggregate classification (germline): Likely benign (1 of 4 stars; one submission).

Conditions:
LRRC45-related disorder. Also called: LRRC45-related condition.

gnomAD v4.1: 110 of 1,577,320 alleles (0.007%); highest among the groups gnomAD compares: African/African-American, 0.014%; no homozygotes.

Submission:

PreventionGenetics, part of Exact Sciences
Classification: Likely benign for LRRC45-related condition. Last evaluated: 2024-12-30. Review status: criteria provided, single submitter. Criteria: ACMG Guidelines, 2015. Collection method: clinical testing. Allele origin: germline.
Comment: This variant is classified as likely benign based on ACMG/AMP sequence variant interpretation guidelines (Richards et al. 2015 PMID: 25741868, with internal and published modifications).

NM_144999.4(LRRC45):c.309C>T (p.Ala103=)

Gene: LRRC45 (leucine rich repeat containing 45; plus strand). Cytogenetic location: 17q25.3.
Variant type: single nucleotide variant.
Coding change: c.309C>T on transcript NM_144999.4 (MANE Select); coding-DNA position 309, C replaced by T.
Protein change: p.Ala103=; no amino-acid change (alanine 103 retained).
Molecular consequence: synonymous variant.
Genome position (GRCh38, 1-based): chr17:82,024,719, C>T. VCF-style: chr17-82024719-C-T. GRCh37 (hg19) VCF-style: chr17-79982595-C-T.
Identifiers: ClinVar variation 4988310 (VCV004988310.1).